The following is an entry in ClinVar:

NM_001083962.2(TCF4):c.178G>A (p.Gly60Arg)

Genes: TCF4 (transcription factor 4; minus strand), TCF4-AS1 (TCF4 antisense RNA 1; plus strand). Cytogenetic location: 18q21.2.
Variant type: single nucleotide variant.
Coding change: c.178G>A on transcript NM_001083962.2 (MANE Select); coding-DNA position 178, G replaced by A.
Protein change: p.Gly60Arg; replaces glycine 60 with arginine.
Molecular consequence: missense variant.
Genome position (GRCh38, 1-based): chr18:55,464,105, C>T on the plus strand (G>A on the coding strand, the complement: TCF4 is on the minus strand). VCF-style: chr18-55464105-C-T. GRCh37 (hg19) VCF-style: chr18-53131336-C-T.
Other names: c.106G>A, p.Gly36Arg (NM_001369577.1, NM_001369578.1, NM_001369575.1 and 15 more transcripts); c.178G>A, p.Gly60Arg (NM_001369571.1, NM_001369572.1, NM_001369573.1 and 8 more transcripts); c.52G>A, p.Gly18Arg (NM_001243231.2, NM_001348211.2); c.484G>A, p.Gly162Arg (NM_001243226.3); c.172G>A, p.Gly58Arg (NM_001243230.2); short protein forms G36R, G58R, G162R, G18R, G60R.
Identifiers: ClinVar variation 1485528 (VCV001485528.8), dbSNP rs2144897134, ClinGen allele CA402703724.

ClinVar aggregate classification (germline): Likely pathogenic (1 of 4 stars; one submission).

Conditions:
Pitt-Hopkins syndrome (PTHS). Also called: ENCEPHALOPATHY, SEVERE EPILEPTIC, WITH AUTONOMIC DYSFUNCTION; MENTAL RETARDATION, SYNDROMAL, WITH INTERMITTENT HYPERVENTILATION. Identifiers: Orphanet 2896, MedGen C1970431, MONDO:0012589, OMIM 610954.

Submission:

Labcorp Genetics (formerly Invitae), Labcorp
Classification: Likely pathogenic for Pitt-Hopkins syndrome. Last evaluated: 2024-10-28. Review status: criteria provided, single submitter. Criteria: Invitae Variant Classification Sherloc (09022015). Collection method: clinical testing. Allele origin: germline.
Comment: This sequence change replaces glycine, which is neutral and non-polar, with arginine, which is basic and polar, at codon 60 of the TCF4 protein (p.Gly60Arg). This variant is not present in population databases (gnomAD no frequency). This missense change has been observed in individual(s) with clinical features of TCF4-related conditions (internal data). In at least one individual the variant was observed to be de novo. ClinVar contains an entry for this variant (Variation ID: 1485528). Invitae Evidence Modeling of protein sequence and biophysical properties (such as structural, functional, and spatial information, amino acid conservation, physicochemical variation, residue mobility, and thermodynamic stability) has been performed for this missense variant. However, the output from this modeling did not meet the statistical confidence thresholds required to predict the impact of this variant on TCF4 protein function. In summary, the currently available evidence indicates that the variant is pathogenic, but additional data are needed to prove that conclusively. Therefore, this variant has been classified as Likely Pathogenic.